The following is an entry in ClinVar:

ClinVar aggregate classification (germline): Uncertain significance (1 of 4 stars; one submission).

Submission:

GeneDx
Classification: Uncertain significance. Last evaluated: 2026-07-08. Review status: criteria provided, single submitter. Criteria: GeneDx Variant Classification Process June 2021. Collection method: clinical testing. Allele origin: germline.
Comment: Not observed at significant frequency in large population cohorts (gnomAD); In silico analysis suggests that this missense variant does not alter protein structure/function; Has not been previously published as pathogenic or benign to our knowledge

NM_138615.3(DHX30):c.115A>G (p.Ile39Val)

Gene: DHX30 (DExH-box helicase 30; plus strand). Cytogenetic location: 3p21.31.
Variant type: single nucleotide variant.
Coding change: c.115A>G on transcript NM_138615.3 (MANE Select); coding-DNA position 115, A replaced by G.
Protein change: p.Ile39Val; replaces isoleucine 39 with valine.
Molecular consequence: missense variant. On other transcripts: 5 prime UTR variant (1).
Genome position (GRCh38, 1-based): chr3:47,818,108, A>G. VCF-style: chr3-47818108-A-G. GRCh37 (hg19) VCF-style: chr3-47859598-A-G.
Other names: c.31A>G, p.Ile11Val (NM_001330990.2); c.-32A>G (NM_014966.4); short protein forms I11V, I39V.
Identifiers: ClinVar variation 3573694 (VCV003573694.2).